The following is an entry in ClinVar:

NM_000138.5(FBN1):c.1115T>C (p.Val372Ala)

Genes: FBN1 (fibrillin 1; minus strand), LOC113939944 (Sharpr-MPRA regulatory region 9539; plus strand). Cytogenetic location: 15q21.1.
Variant type: single nucleotide variant.
Coding change: c.1115T>C on transcript NM_000138.5 (MANE Select); coding-DNA position 1115, T replaced by C.
Protein change: p.Val372Ala; replaces valine 372 with alanine.
Molecular consequence: missense variant.
Genome position (GRCh38, 1-based): chr15:48,520,691, A>G on the plus strand (T>C on the coding strand, the complement: FBN1 is on the minus strand). VCF-style: chr15-48520691-A-G. GRCh37 (hg19) VCF-style: chr15-48812888-A-G.
Other names: c.1115T>C, p.Val372Ala (NM_001406716.1); short protein forms V372A.
Identifiers: ClinVar variation 4758420 (VCV004758420.1).
Genomic context (GRCh38, chr15:48,520,691, plus strand): 5'-TTCTGCAGATAACTGGAAGGGCTCTTACCGGTTGCTCTGATGGGACACATCTCAGGGGCG[A>G]CAGTGACCCCTGGAGACCAGCATCGGCCGGCATCACAGCAGCACTGCATTTTGGTTATGG-3'
Protein context (NP_000129.3, residues 362-382): AGRCWSPGVT[Val372Ala]APEMCPIRAT

ClinVar aggregate classification (germline): Uncertain significance (1 of 4 stars; one submission).

Conditions:
Familial thoracic aortic aneurysm and aortic dissection (TAAD). Also called: Thoracic aortic aneurysms and dissections. Identifiers: Orphanet 91387, MedGen C4707243, MONDO:0019625.

gnomAD v4.1: 1 of 1,614,084 alleles (0.000062%); highest among the groups gnomAD compares: Admixed American, 0.0017%; no homozygotes.

Submission:

Color Diagnostics, LLC DBA Color Health
Classification: Uncertain significance for Familial thoracic aortic aneurysm and aortic dissection. Last evaluated: 2025-09-29. Review status: criteria provided, single submitter. Criteria: ACMG Guidelines, 2015. Collection method: clinical testing. Allele origin: germline.
Comment: This missense variant replaces valine with alanine at codon 372 of the FBN1 protein. Computational prediction suggests that this variant may not impact protein structure and function. To our knowledge, functional studies have not been reported for this variant. This variant has not been reported in individuals affected with FBN1-related disorders in the literature. This variant has not been identified in the general population by the Genome Aggregation Database (gnomAD). The available evidence is insufficient to determine the role of this variant in disease conclusively. Therefore, this variant is classified as a Variant of Uncertain Significance.